The following is an entry in ClinVar:

NM_012309.5(SHANK2):c.4898A>T (p.Gln1633Leu)

Gene: SHANK2 (SH3 and multiple ankyrin repeat domains 2; minus strand). Cytogenetic location: 11q13.3.
Variant type: single nucleotide variant.
Coding change: c.4898A>T on transcript NM_012309.5 (MANE Select); coding-DNA position 4898, A replaced by T.
Protein change: p.Gln1633Leu; replaces glutamine 1633 with leucine.
Molecular consequence: missense variant.
Genome position (GRCh38, 1-based): chr11:70,485,395, T>A on the plus strand (A>T on the coding strand, the complement: SHANK2 is on the minus strand). VCF-style: chr11-70485395-T-A. GRCh37 (hg19) VCF-style: chr11-70331500-T-A.
Other names: c.3761A>T, p.Gln1254Leu (NM_001379226.1); c.3134A>T, p.Gln1045Leu (NM_133266.5); short protein forms Q1045L, Q1254L, Q1633L.
Identifiers: ClinVar variation 3364877 (VCV003364877.1).
Genomic context (GRCh38, chr11:70,485,395, plus strand): 5'-TTGGCTCCCATTGGTGAATCCAGTCCTTCCCCCGGCTTTGCCAATTTCTCTCGGTTCATT[T>A]GCTGTAGGATAGAGTTCAATTCACTAATAACGTTTGCCTTTGGGCCTGAGAGAATCGGGC-3'
Protein context (NP_036441.2, residues 1623-1643): VISELNSILQ[Gln1633Leu]MNREKLAKPG

ClinVar aggregate classification (germline): Uncertain significance (1 of 4 stars; one submission).

Submission:

GeneDx
Classification: Uncertain significance. Last evaluated: 2023-11-29. Review status: criteria provided, single submitter. Criteria: GeneDx Variant Classification Process June 2021. Collection method: clinical testing. Allele origin: germline. Affected: yes.
Comment: Not observed at significant frequency in large population cohorts (gnomAD); In silico analysis supports that this missense variant has a deleterious effect on protein structure/function; Has not been previously published as pathogenic or benign to our knowledge